The following is an entry in ClinVar:

ClinVar aggregate classification (germline): Conflicting classifications of pathogenicity. Review status: criteria provided, conflicting classifications (1 of 4 stars). 3 submissions from 3 submitters: Likely pathogenic (2); Uncertain significance (1). Last evaluated 2026-05-13.

Conditions:
Hematuria. Identifiers: MedGen C0018965, HP:0000790.
Hematuria, benign familial, 1 (BFH1). Also called: THIN MEMBRANE NEPHROPATHY. Identifiers: MedGen CN376803, MONDO:0007709, OMIM 141200.

gnomAD v4.1: 1 of 1,613,330 alleles (0.000062%); highest among the groups gnomAD compares: Admixed American, 0.0017%; no homozygotes.

Submissions (3):

Centre de Génétique Humaine, Institut de Pathologie Et de Génétique
Classification: Likely pathogenic for Hematuria, benign familial, 1. Last evaluated: 2026-05-13. Review status: criteria provided, single submitter. Criteria: ACMG Guidelines, 2015. Collection method: clinical testing. Allele origin: maternal, germline. Inheritance: Autosomal dominant inheritance. Affected: yes. Observed: 2 variant alleles, 2 heterozygotes. Clinical features observed: Microscopic hematuria (HP:0002907), Severe albuminuria (HP:0033066), Thin glomerular basement membrane (HP:0012577). Segregation with disease observed.
Comment: This missense variant involves a highly conserved glycine located in a ‘Gly-X-Y’ motif in collagenous region, which is characteristic of the pathogenic variants identified in the COL4A4 gene (PM1,PP2). This variant is rare: allelic frequency of 0.000062% in gnomAD v4.1.0 database (PM2). In silico analysis supports that this missense variant has a deleterious effect (PP3). Described as LP in ClinVar in patient with hematuria (PP5)

Genetics Laboratory, Great Ormond Street Hospital NHS Foundation Trust, North Thames Genomic Laboratory Hub
Classification: Likely pathogenic for Haematuria. Last evaluated: 2025-10-09. Review status: criteria provided, single submitter. Criteria: ACGS Best Practice Guidelines for Variant Classification in Rare Disease 2024 v1.2. Collection method: clinical testing. Allele origin: germline. Affected: yes.
Comment: PM2_moderate, PP3_supporting, PM1_strong

Blueprint Genetics
Classification: Uncertain significance. Last evaluated: 2024-07-01. Review status: criteria provided, single submitter. Criteria: ACMG Guidelines, 2015. Collection method: clinical testing. Allele origin: germline.

NM_000092.5(COL4A4):c.3569G>A (p.Gly1190Asp)

Gene: COL4A4 (collagen type IV alpha 4 chain; minus strand). Cytogenetic location: 2q36.3.
Variant type: single nucleotide variant.
Coding change: c.3569G>A on transcript NM_000092.5 (MANE Select); coding-DNA position 3569, G replaced by A.
Protein change: p.Gly1190Asp; replaces glycine 1190 with aspartic acid.
Molecular consequence: missense variant.
Genome position (GRCh38, 1-based): chr2:227,033,418, C>T on the plus strand (G>A on the coding strand, the complement: COL4A4 is on the minus strand). VCF-style: chr2-227033418-C-T. GRCh37 (hg19) VCF-style: chr2-227898134-C-T.
Other names: p.(Gly1190Asp); short protein forms G1190D.
Identifiers: ClinVar variation 4533370 (VCV004533370.3).
Genomic context (GRCh38, chr2:227,033,418, plus strand): 5'-TCATGAACCATGGACTGAAGCTCAGTCTGTTACGAATCGATTAGGTGCTTACCTGAAGCA[C>T]CTTTAGTTCCTTTCTGACCTTTCAATCCATGCAAGCCGTTCAGGCCAGGTGATCCGGAGG-3'
Protein context (NP_000083.3, residues 1180-1200): HGLKGQKGTK[Gly1190Asp]ASGLHDVGPP